The following is an entry in ClinVar:

NM_000053.4(ATP7B):c.2576-15C>G

Gene: ATP7B (ATPase copper transporting beta; minus strand). Cytogenetic location: 13q14.3.
Variant type: single nucleotide variant.
Coding change: c.2576-15C>G on transcript NM_000053.4 (MANE Select); 15 bases into the intron before coding-DNA position 2576, C replaced by G.
Molecular consequence: intron variant.
Genome position (GRCh38, 1-based): chr13:51,950,176, G>C on the plus strand (C>G on the coding strand, the complement: ATP7B is on the minus strand). VCF-style: chr13-51950176-G-C. GRCh37 (hg19) VCF-style: chr13-52524312-G-C.
Other names: c.2243-15C>G (NM_001243182.2); c.2090-15C>G (NM_001005918.3); c.2324-15C>G (NM_001330579.2); c.2342-15C>G (NM_001330578.2).
Identifiers: ClinVar variation 2196290 (VCV002196290.5), dbSNP rs778745323, ClinGen allele CA6988959.

ClinVar aggregate classification (germline): Likely benign. Review status: criteria provided, multiple submitters, no conflicts (2 of 4 stars). 3 submissions from 3 submitters: Likely benign (3). Last evaluated 2026-02-02.

Conditions:
Wilson disease (WND). Also called: Wilson's disease. Identifiers: Orphanet 905, MedGen C0019202, MONDO:0010200, OMIM 277900. Disease mechanism: loss of function.

Allele frequency attached by ClinVar (database versions not stated): ExAC 0.00002; TOPMed 0.00002.
gnomAD v4.1: 6 of 1,614,174 alleles (0.00037%); highest among the groups gnomAD compares: Admixed American, 0.0083%; no homozygotes.

Submissions (3):

Labcorp Genetics (formerly Invitae), Labcorp
Classification: Likely benign for Wilson disease. Last evaluated: 2026-02-02. Review status: criteria provided, single submitter. Criteria: Invitae Variant Classification Sherloc (09022015). Collection method: clinical testing. Allele origin: germline.

All of Us Research Program, National Institutes of Health
Classification: Likely benign for Wilson disease. Last evaluated: 2023-06-08. Review status: criteria provided, single submitter. Criteria: ACMG Guidelines, 2015. Collection method: clinical testing. Allele origin: germline. Inheritance: Autosomal recessive inheritance. Observed: 1 variant allele, 1 heterozygote.
Comment: This study involves interpretation of variants in research participants for the purpose of population health screening. Participant phenotype was not available at the time of variant classification. Additional details can be found in publication PMID: 35346344, PMCID: PMC8962531

Color Diagnostics, LLC DBA Color Health
Classification: Likely benign for Wilson disease. Last evaluated: 2022-06-10. Review status: criteria provided, single submitter. Criteria: ACMG Guidelines, 2015. Collection method: clinical testing. Allele origin: germline.